The following is an entry in ClinVar:

ClinVar aggregate classification (germline): Uncertain significance (1 of 4 stars; one submission).

Conditions:
Charcot-Marie-Tooth disease axonal type 2C (HMSN2C). Also called: Charcot-Marie-Tooth Disease Type 2, TRPV4-Related (CMT2C); CHARCOT-MARIE-TOOTH DISEASE, AXONAL, AUTOSOMAL DOMINANT, TYPE 2C; Charcot-Marie-Tooth Neuropathy Type 2C. Identifiers: Orphanet 99937, MedGen C1853710, MONDO:0011633, OMIM 606071.

Submission:

Labcorp Genetics (formerly Invitae), Labcorp
Classification: Uncertain significance for Charcot-Marie-Tooth disease axonal type 2C. Last evaluated: 2025-08-11. Review status: criteria provided, single submitter. Criteria: Invitae Variant Classification Sherloc (09022015). Collection method: clinical testing. Allele origin: germline.
Comment: This sequence change replaces proline, which is neutral and non-polar, with alanine, which is neutral and non-polar, at codon 80 of the TRPV4 protein (p.Pro80Ala). This variant is not present in population databases (gnomAD no frequency). This variant has not been reported in the literature in individuals affected with TRPV4-related conditions. Invitae Evidence Modeling of protein sequence and biophysical properties (such as structural, functional, and spatial information, amino acid conservation, physicochemical variation, residue mobility, and thermodynamic stability) indicates that this missense variant is not expected to disrupt TRPV4 protein function with a negative predictive value of 95%. In summary, the available evidence is currently insufficient to determine the role of this variant in disease. Therefore, it has been classified as a Variant of Uncertain Significance.

NM_021625.5(TRPV4):c.238C>G (p.Pro80Ala)

Gene: TRPV4 (transient receptor potential cation channel subfamily V member 4; minus strand). Cytogenetic location: 12q24.11.
Variant type: single nucleotide variant.
Coding change: c.238C>G on transcript NM_021625.5 (MANE Select); coding-DNA position 238, C replaced by G.
Protein change: p.Pro80Ala; replaces proline 80 with alanine.
Molecular consequence: missense variant.
Genome position (GRCh38, 1-based): chr12:109,814,559, G>C on the plus strand (C>G on the coding strand, the complement: TRPV4 is on the minus strand). VCF-style: chr12-109814559-G-C. GRCh37 (hg19) VCF-style: chr12-110252364-G-C.
Other names: c.238C>G, p.Pro80Ala (NM_147204.3, NM_001177428.2, NM_001177433.2); c.136C>G, p.Pro46Ala (NM_001177431.2); short protein forms P46A, P80A.
Identifiers: ClinVar variation 4803080 (VCV004803080.1).
Genomic context (GRCh38, chr12:109,814,559, plus strand): 5'-TGGGCCCAGGCACCACCGAGGACTCATATAGGGTGGACTCCAGCAGATCGATGGGGTTGG[G>C]CACCCCCTTGCGGAAGGCGCCCTGGAACTTCATGCGCAGATTTGGTCGCCCATCGCCTGG-3'
Protein context (NP_067638.3, residues 70-90): KFQGAFRKGV[Pro80Ala]NPIDLLESTL